The following is an entry in ClinVar:

NM_152328.5(ADSS1):c.541C>T (p.Arg181Cys)

Gene: ADSS1 (adenylosuccinate synthase 1; plus strand). Cytogenetic location: 14q32.33.
Variant type: single nucleotide variant.
Coding change: c.541C>T on transcript NM_152328.5 (MANE Select); coding-DNA position 541, C replaced by T.
Protein change: p.Arg181Cys; replaces arginine 181 with cysteine.
Molecular consequence: missense variant. On other transcripts: 5 prime UTR variant (1).
Genome position (GRCh38, 1-based): chr14:104,740,665, C>T. VCF-style: chr14-104740665-C-T. GRCh37 (hg19) VCF-style: chr14-105207002-C-T.
Other names: c.-75C>T (NM_001320424.1); c.670C>T, p.Arg224Cys (NM_199165.2); c.670C>T (NM_199165.1); c.541C>T (NM_152328.4); short protein forms R224C, R181C.
Identifiers: ClinVar variation 2061287 (VCV002061287.12), dbSNP rs200192645, ClinGen allele CA7373732.

ClinVar aggregate classification (germline): Uncertain significance. Review status: criteria provided, multiple submitters, no conflicts (2 of 4 stars). 4 submissions from 4 submitters: Uncertain significance (4). Last evaluated 2026-03-13.

Conditions:
Inborn genetic diseases. Identifiers: MedGen C0950123, MeSH D030342.

Allele frequency attached by ClinVar (database versions not stated): gnomAD 0.00001; gnomAD exomes 0.00003; ExAC 0.00007; TOPMed 0.00008; 1000 Genomes Project 30x 0.00031; 1000 Genomes Project 0.00040.
gnomAD v4.1: 39 of 1,613,978 alleles (0.0024%); highest among the groups gnomAD compares: East Asian, 0.045%; no homozygotes.

Submissions (4):

GeneDx
Classification: Uncertain significance. Last evaluated: 2026-03-13. Review status: criteria provided, single submitter. Criteria: GeneDx Variant Classification Process June 2021. Collection method: clinical testing. Allele origin: germline.
Comment: In silico analysis supports that this missense variant has a deleterious effect on protein structure/function; Has not been previously published as pathogenic or benign to our knowledge

Ambry Genetics
Classification: Uncertain significance for Inborn genetic diseases. Last evaluated: 2025-08-27. Review status: criteria provided, single submitter. Criteria: Ambry Variant Classification Scheme 2023. Collection method: clinical testing. Allele origin: germline.

CeGaT Center for Human Genetics Tuebingen
Classification: Uncertain significance. Last evaluated: 2025-08-01. Review status: criteria provided, single submitter. Criteria: CeGaT Center For Human Genetics Tuebingen Variant Classification Criteria Version 2. Collection method: clinical testing. Allele origin: germline. Affected: yes. Observed: 1 variant allele.
Comment: ADSS1: PM2, PP3

Labcorp Genetics (formerly Invitae), Labcorp
Classification: Uncertain significance. Last evaluated: 2024-07-16. Review status: criteria provided, single submitter. Criteria: Invitae Variant Classification Sherloc (09022015). Collection method: clinical testing. Allele origin: germline.
Comment: This sequence change replaces arginine, which is basic and polar, with cysteine, which is neutral and slightly polar, at codon 224 of the ADSSL1 protein (p.Arg224Cys). This variant is present in population databases (rs200192645, gnomAD 0.05%). This variant has not been reported in the literature in individuals affected with ADSSL1-related conditions. ClinVar contains an entry for this variant (Variation ID: 2061287). An algorithm developed to predict the effect of missense changes on protein structure and function (PolyPhen-2) suggests that this variant is likely to be disruptive. In summary, the available evidence is currently insufficient to determine the role of this variant in disease. Therefore, it has been classified as a Variant of Uncertain Significance.